The following is an entry in ClinVar:

NM_052867.4(NALCN):c.3176G>T (p.Gly1059Val)

Gene: NALCN (sodium leak channel, non-selective; minus strand). Cytogenetic location: 13q32.3.
Variant type: single nucleotide variant.
Coding change: c.3176G>T on transcript NM_052867.4 (MANE Select); coding-DNA position 3176, G replaced by T.
Protein change: p.Gly1059Val; replaces glycine 1059 with valine.
Molecular consequence: missense variant.
Genome position (GRCh38, 1-based): chr13:101,095,667, C>A on the plus strand (G>T on the coding strand, the complement: NALCN is on the minus strand). VCF-style: chr13-101095667-C-A. GRCh37 (hg19) VCF-style: chr13-101748018-C-A.
Other names: c.3263G>T, p.Gly1088Val (NM_001350748.2); c.3176G>T, p.Gly1059Val (NM_001350749.2); c.3089G>T, p.Gly1030Val (NM_001350750.2, NM_001350751.2); short protein forms G1030V, G1059V, G1088V.
Identifiers: ClinVar variation 3384654 (VCV003384654.1).
Genomic context (GRCh38, chr13:101,095,667, plus strand): 5'-TCTCCAGGCCTCAATTTTAAATTTAAGTTCTTTGACACACTGACATTAATTCTGAATATG[C>A]CATTGCAATCTTCCTAAAGTAGAAAAACAAGAGGAGAGGGGAAACCTGGTCAGAAAATGA-3'
Protein context (NP_443099.1, residues 1049-1069): PNIIRREDCN[Gly1059Val]IFRINVSVSK

ClinVar aggregate classification (germline): Uncertain significance (1 of 4 stars; one submission).

Submission:

GeneDx
Classification: Uncertain significance. Last evaluated: 2024-06-07. Review status: criteria provided, single submitter. Criteria: GeneDx Variant Classification Process June 2021. Collection method: clinical testing. Allele origin: germline. Affected: yes.
Comment: Not observed at significant frequency in large population cohorts (gnomAD); In silico analysis supports that this missense variant has a deleterious effect on protein structure/function; Has not been previously published as pathogenic or benign to our knowledge